The following is an entry in ClinVar:

ClinVar aggregate classification (germline): Conflicting classifications of pathogenicity. Review status: criteria provided, conflicting classifications (1 of 4 stars). 2 submissions from 2 submitters: Likely pathogenic (1); Uncertain significance (1). Last evaluated 2025-09-24.

Conditions:
Holoprosencephaly 2 (HPE2). Identifiers: Orphanet 2162, MedGen C1834877, MONDO:0007999, OMIM 157170.

Submissions (2):

Genesolutions, Medical Genetics Institutes, Ho Chi Minh City, Vietnam
Classification: Likely pathogenic for Holoprosencephaly 2. Last evaluated: 2025-09-24. Review status: criteria provided, single submitter. Criteria: ACMG Guidelines, 2015. Collection method: clinical testing. Allele origin: germline. Affected: yes.

Labcorp Genetics (formerly Invitae), Labcorp
Classification: Uncertain significance for Holoprosencephaly 2. Last evaluated: 2022-10-09. Review status: criteria provided, single submitter. Criteria: Invitae Variant Classification Sherloc (09022015). Collection method: clinical testing. Allele origin: germline.
Comment: In summary, the available evidence is currently insufficient to determine the role of this variant in disease. Therefore, it has been classified as a Variant of Uncertain Significance. Algorithms developed to predict the effect of missense changes on protein structure and function (SIFT, PolyPhen-2, Align-GVGD) all suggest that this variant is likely to be disruptive. This variant has not been reported in the literature in individuals affected with SIX3-related conditions. This variant is not present in population databases (gnomAD no frequency). This sequence change replaces alanine, which is neutral and non-polar, with glycine, which is neutral and non-polar, at codon 172 of the SIX3 protein (p.Ala172Gly).

NM_005413.4(SIX3):c.515C>G (p.Ala172Gly)

Gene: SIX3 (SIX homeobox 3; plus strand). Cytogenetic location: 2p21.
Variant type: single nucleotide variant.
Coding change: c.515C>G on transcript NM_005413.4 (MANE Select); coding-DNA position 515, C replaced by G.
Protein change: p.Ala172Gly; replaces alanine 172 with glycine.
Molecular consequence: missense variant.
Genome position (GRCh38, 1-based): chr2:44,942,619, C>G. VCF-style: chr2-44942619-C-G. GRCh37 (hg19) VCF-style: chr2-45169758-C-G.
Other names: short protein forms A172G.
Identifiers: ClinVar variation 2808118 (VCV002808118.4), dbSNP rs2466514381, ClinGen allele CA346799757.